The following is an entry in ClinVar:

NM_001042492.3(NF1):c.7177C>T (p.His2393Tyr)

Gene: NF1 (neurofibromin 1; plus strand). Cytogenetic location: 17q11.2.
Variant type: single nucleotide variant.
Coding change: c.7177C>T on transcript NM_001042492.3 (MANE Select); coding-DNA position 7177, C replaced by T.
Protein change: p.His2393Tyr; replaces histidine 2393 with tyrosine.
Molecular consequence: missense variant.
Genome position (GRCh38, 1-based): chr17:31,343,123, C>T. VCF-style: chr17-31343123-C-T. GRCh37 (hg19) VCF-style: chr17-29670141-C-T.
Other names: c.7114C>T, p.His2372Tyr (NM_000267.4); short protein forms H2393Y, H2372Y.
Identifiers: ClinVar variation 663626 (VCV000663626.5), dbSNP rs1597851468, ClinGen allele CA399015763.
Genomic context (GRCh38, chr17:31,343,123, plus strand): 5'-CAAATGGATCATTTTGTTGGACTCAATTTCAACTCTAACTTTAACTTTGCATTGGTTGGA[C>T]ACCTTTTAAAAGGTAAAAAAGCCTTATTTAGAATATTTTTATGAAGTACTATTAAGAAAC-3'
Protein context (NP_001035957.1, residues 2383-2403): NSNFNFALVG[His2393Tyr]LLKGYRHPSP

ClinVar aggregate classification (germline): Uncertain significance (1 of 4 stars; one submission).

Conditions:
Neurofibromatosis, type 1 (NF1). Also called: VON RECKLINGHAUSEN DISEASE; NEUROFIBROMATOSIS, TYPE I, SOMATIC; Peripheral type neurofibromatosis; Neurofibromatosis, type I. Identifiers: Orphanet 636, MedGen C0027831, MONDO:0018975, OMIM 162200. Disease mechanism: loss of function.

Submission:

Labcorp Genetics (formerly Invitae), Labcorp
Classification: Uncertain significance for Neurofibromatosis, type 1. Last evaluated: 2022-07-14. Review status: criteria provided, single submitter. Criteria: Invitae Variant Classification Sherloc (09022015). Collection method: clinical testing. Allele origin: germline.
Comment: This sequence change replaces histidine, which is basic and polar, with tyrosine, which is neutral and polar, at codon 2372 of the NF1 protein (p.His2372Tyr). This variant is not present in population databases (gnomAD no frequency). This variant has not been reported in the literature in individuals affected with NF1-related conditions. ClinVar contains an entry for this variant (Variation ID: 663626). Advanced modeling of protein sequence and biophysical properties (such as structural, functional, and spatial information, amino acid conservation, physicochemical variation, residue mobility, and thermodynamic stability) performed at Invitae indicates that this missense variant is expected to disrupt NF1 protein function. In summary, the available evidence is currently insufficient to determine the role of this variant in disease. Therefore, it has been classified as a Variant of Uncertain Significance.